The following is an entry in ClinVar:

ClinVar aggregate classification (germline): Likely benign (1 of 4 stars; one submission).

Allele frequency attached by ClinVar (database versions not stated): TOPMed 0.00001; gnomAD exomes below 0.00001; ExAC 0.00001.
gnomAD v4.1: 4 of 1,613,722 alleles (0.00025%); highest among the groups gnomAD compares: Admixed American, 0.0017%; no homozygotes.

Submission:

GeneDx
Classification: Likely benign. Last evaluated: 2018-05-15. Review status: criteria provided, single submitter. Criteria: GeneDx Variant Classification (06012015). Collection method: clinical testing. Allele origin: germline. Affected: yes.
Comment: This variant is considered likely benign or benign based on one or more of the following criteria: it is a conservative change, it occurs at a poorly conserved position in the protein, it is predicted to be benign by multiple in silico algorithms, and/or has population frequency not consistent with disease.

NM_005379.4(MYO1A):c.905T>C (p.Ile302Thr)

Gene: MYO1A (myosin IA; minus strand). Cytogenetic location: 12q13.3.
Variant type: single nucleotide variant.
Coding change: c.905T>C on transcript NM_005379.4 (MANE Select); coding-DNA position 905, T replaced by C.
Protein change: p.Ile302Thr; replaces isoleucine 302 with threonine.
Molecular consequence: missense variant.
Genome position (GRCh38, 1-based): chr12:57,043,346, A>G on the plus strand (T>C on the coding strand, the complement: MYO1A is on the minus strand). VCF-style: chr12-57043346-A-G. GRCh37 (hg19) VCF-style: chr12-57437130-A-G.
Other names: c.905T>C, p.Ile302Thr (NM_001256041.2); short protein forms I302T.
Identifiers: ClinVar variation 682258 (VCV000682258.1), dbSNP rs754148442, ClinGen allele CA6640280.